The following is an entry in ClinVar:

ClinVar aggregate classification (germline): Likely benign. Review status: criteria provided, multiple submitters, no conflicts (2 of 4 stars). 2 submissions from 2 submitters: Likely benign (2). Last evaluated 2025-04-16.

Conditions:
TTN-related disorder. Also called: TTN-related disorders; TTN-related condition; TTN-related disease.

Allele frequency attached by ClinVar (database versions not stated): gnomAD 0.00001 and 0.00002; gnomAD exomes 0.00001 and 0.00007; TOPMed 0.00002; ExAC 0.00009; 1000 Genomes Project 30x 0.00016; 1000 Genomes Project 0.00020.
gnomAD v4.1: 23 of 1,613,042 alleles (0.0014%); highest among the groups gnomAD compares: East Asian, 0.031%; no homozygotes.

Submissions (2):

PreventionGenetics, part of Exact Sciences
Classification: Likely benign for TTN-related condition. Last evaluated: 2025-04-16. Review status: criteria provided, single submitter. Criteria: ACMG Guidelines, 2015. Collection method: clinical testing. Allele origin: germline.
Comment: This variant is classified as likely benign based on ACMG/AMP sequence variant interpretation guidelines (Richards et al. 2015 PMID: 25741868, with internal and published modifications).

GeneDx
Classification: Likely benign. Last evaluated: 2019-02-04. Review status: criteria provided, single submitter. Criteria: GeneDx Variant Classification Process June 2021. Collection method: clinical testing. Allele origin: germline. Affected: yes.

NM_133379.5(TTN):c.13782T>C (p.Asp4594=)

Gene: TTN (titin; minus strand). Cytogenetic location: 2q31.2.
Variant type: single nucleotide variant.
Coding change: c.13782T>C on transcript NM_133379.5; coding-DNA position 13782, T replaced by C.
Protein change: p.Asp4594=; no amino-acid change (aspartic acid 4594 retained).
Molecular consequence: synonymous variant. On other transcripts: intron variant (6).
Genome position (GRCh38, 1-based): chr2:178,748,618, A>G on the plus strand (T>C on the coding strand, the complement: TTN is on the minus strand). VCF-style: chr2-178748618-A-G. GRCh37 (hg19) VCF-style: chr2-179613345-A-G.
Other names: c.10222+4506T>C (NM_003319.4); c.10798+4506T>C (NM_133437.4); c.10597+4506T>C (NM_133432.3); c.10360+4506T>C (NM_133378.4, NM_001256850.1); c.11311+4506T>C (NM_001267550.2); c.13782T>C (NM_133379.4).
Identifiers: ClinVar variation 1196125 (VCV001196125.3), dbSNP rs561298114, ClinGen allele CA2003348.